The following is an entry in ClinVar:

ClinVar aggregate classification (germline): Conflicting classifications of pathogenicity. Review status: criteria provided, conflicting classifications (1 of 4 stars). 2 submissions from 2 submitters: Uncertain significance (1); Likely benign (1). Last evaluated 2025-05-19.

Conditions:
Inborn genetic diseases. Identifiers: MedGen C0950123, MeSH D030342.
Maple syrup urine disease (MSUD). Identifiers: Orphanet 511, MedGen C0024776, MeSH D008375, MONDO:0009563. Disease mechanism: loss of function.

Allele frequency attached by ClinVar (database versions not stated): TOPMed 0.00003; gnomAD 0.00004; ESP Exome Variant Server 0.00008; gnomAD exomes 0.00001; ExAC 0.00002.
gnomAD v4.1: 19 of 1,572,652 alleles (0.0012%); highest among the groups gnomAD compares: African/African-American, 0.0068%; no homozygotes.

Submissions (2):

Labcorp Genetics (formerly Invitae), Labcorp
Classification: Uncertain significance for Maple syrup urine disease. Last evaluated: 2025-05-19. Review status: criteria provided, single submitter. Criteria: Invitae Variant Classification Sherloc (09022015). Collection method: clinical testing. Allele origin: germline.
Comment: This sequence change replaces arginine, which is basic and polar, with histidine, which is basic and polar, at codon 61 of the DBT protein (p.Arg61His). This variant is present in population databases (rs199954954, gnomAD 0.01%). This variant has not been reported in the literature in individuals affected with DBT-related conditions. ClinVar contains an entry for this variant (Variation ID: 2163984). Invitae Evidence Modeling of protein sequence and biophysical properties (such as structural, functional, and spatial information, amino acid conservation, physicochemical variation, residue mobility, and thermodynamic stability) indicates that this missense variant is not expected to disrupt DBT protein function with a negative predictive value of 95%. In summary, the available evidence is currently insufficient to determine the role of this variant in disease. Therefore, it has been classified as a Variant of Uncertain Significance.

Ambry Genetics
Classification: Likely benign for Inborn genetic diseases. Last evaluated: 2023-10-05. Review status: criteria provided, single submitter. Criteria: Ambry Variant Classification Scheme 2023. Collection method: clinical testing. Allele origin: germline.

NM_001918.5(DBT):c.182G>A (p.Arg61His)

Gene: DBT (dihydrolipoamide branched chain transacylase E2; minus strand). Cytogenetic location: 1p21.2.
Variant type: single nucleotide variant.
Coding change: c.182G>A on transcript NM_001918.5 (MANE Select); coding-DNA position 182, G replaced by A.
Protein change: p.Arg61His; replaces arginine 61 with histidine.
Molecular consequence: missense variant. On other transcripts: 5 prime UTR variant (2), non-coding transcript variant (4).
Genome position (GRCh38, 1-based): chr1:100,235,505, C>T on the plus strand (G>A on the coding strand, the complement: DBT is on the minus strand). VCF-style: chr1-100235505-C-T. GRCh37 (hg19) VCF-style: chr1-100701061-C-T.
Other names: c.-362G>A (NM_001399969.1, NM_001399972.1); c.182G>A (NM_001918.2); short protein forms R61H.
Identifiers: ClinVar variation 2163984 (VCV002163984.4), dbSNP rs199954954, ClinGen allele CA969799.